The following is an entry in ClinVar:

ClinVar aggregate classification (germline): Uncertain significance (1 of 4 stars; one submission).

Submission:

Labcorp Genetics (formerly Invitae), Labcorp
Classification: Uncertain significance. Last evaluated: 2022-02-20. Review status: criteria provided, single submitter. Criteria: Invitae Variant Classification Sherloc (09022015). Collection method: clinical testing. Allele origin: germline.
Comment: In summary, the available evidence is currently insufficient to determine the role of this variant in disease. Therefore, it has been classified as a Variant of Uncertain Significance. Algorithms developed to predict the effect of missense changes on protein structure and function are either unavailable or do not agree on the potential impact of this missense change (SIFT: "Deleterious"; PolyPhen-2: "Benign"; Align-GVGD: "Class C0"). This variant has not been reported in the literature in individuals affected with AP3B2-related conditions. This variant is not present in population databases (gnomAD no frequency). This sequence change replaces aspartic acid, which is acidic and polar, with histidine, which is basic and polar, at codon 535 of the AP3B2 protein (p.Asp535His).

NM_001278512.2(AP3B2):c.1603G>C (p.Asp535His)

Genes: AP3B2 (adaptor related protein complex 3 subunit beta 2; minus strand), CPEB1-AS1 (CPEB1 antisense RNA 1; plus strand). Cytogenetic location: 15q25.2.
Variant type: single nucleotide variant.
Coding change: c.1603G>C on transcript NM_001278512.2 (MANE Select); coding-DNA position 1603, G replaced by C.
Protein change: p.Asp535His; replaces aspartic acid 535 with histidine.
Molecular consequence: missense variant.
Genome position (GRCh38, 1-based): chr15:82,676,523, C>G on the plus strand (G>C on the coding strand, the complement: AP3B2 is on the minus strand). VCF-style: chr15-82676523-C-G. GRCh37 (hg19) VCF-style: chr15-83345275-C-G.
Other names: c.1507G>C, p.Asp503His (NM_001278511.2); c.1603G>C, p.Asp535His (NM_004644.5); short protein forms D503H, D535H.
Identifiers: ClinVar variation 2100072 (VCV002100072.4), dbSNP rs2548707414, ClinGen allele CA393315124.
Genomic context (GRCh38, chr15:82,676,523, plus strand): 5'-GTTTAGAGTTGGTCAGGTAGAGCTTGGCTGCCAGGTTGATGACCTGCAGCTTGACAATAT[C>G]CTCCTCTGCTGTGAATGACTTGGCCATTTTTCTTAAGACATCAGGTGCAATCCTGGGGAC-3'
Protein context (NP_001265441.1, residues 525-545): KMAKSFTAEE[Asp535His]IVKLQVINLA